The following is an entry in ClinVar:

ClinVar aggregate classification (germline): Conflicting classifications of pathogenicity. Review status: criteria provided, conflicting classifications (1 of 4 stars). 3 submissions from 2 submitters: Uncertain significance (2); Likely benign (1). Last evaluated 2026-04-07.

Conditions:
Spontaneous hematomas. Identifiers: MedGen C1697453, HP:0007420.
Joint hypermobility. Also called: Joint hyperflexibility. Identifiers: MedGen C1862377, HP:0001382.
Gastroesophageal reflux. Identifiers: MedGen C4317146, HP:0002020.
Thoracic scoliosis. Identifiers: MedGen C1857790, HP:0002943.
Myopia. Also called: Myopia (disease). Identifiers: MedGen C0027092, MONDO:0001384, HP:0000545.
Soft skin. Identifiers: MedGen C1844592, HP:0000977.
Poor wound healing. Identifiers: MedGen C1851789, HP:0001058.
Striae distensae. Also called: skin striae. Identifiers: MedGen C0152459, HP:0001065.
Cardiovascular phenotype. Identifiers: MedGen CN230736.
Brittle cornea syndrome 1 (BCS1). Also called: DYSGENESIS MESODERMALIS CORNEAE ET SCLERAE; FRAGILITAS OCULI WITH JOINT HYPEREXTENSIBILITY; Corneal fragility keratoglobus, blue sclerae AND joint hypermobility; CORNEAL FRAGILITY, KERATOGLOBUS, BLUE SCLERAE, JOINT HYPEREXTENSIBILITY; EDS6B. Identifiers: Orphanet 90354, MedGen C0268344, MONDO:0024543, OMIM 229200.

Allele frequency attached by ClinVar (database versions not stated): gnomAD exomes 0.00001; TOPMed below 0.00001; gnomAD 0.00001.
gnomAD v4.1: 3 of 1,521,560 alleles (0.0002%); highest among the groups gnomAD compares: Admixed American, 0.004%; no homozygotes.

Submissions (3):

Ambry Genetics
Classification: Likely benign for Cardiovascular phenotype. Last evaluated: 2026-04-07. Review status: criteria provided, single submitter. Criteria: Ambry Variant Classification Scheme 2023. Collection method: clinical testing. Allele origin: germline.

Centre for Mendelian Genomics, University Medical Centre Ljubljana
Classification: Uncertain significance for Gastroesophageal reflux; Joint hypermobility; Myopia; Poor wound healing; Soft skin; Spontaneous hematomas; Striae distensae; Thoracic scoliosis. Last evaluated: 2017-01-01. Review status: criteria provided, single submitter. Criteria: ACMG Guidelines, 2015. Collection method: clinical testing. Allele origin: unknown. Affected: yes.

Centre for Mendelian Genomics, University Medical Centre Ljubljana
Classification: Uncertain significance for Brittle cornea syndrome 1. Last evaluated: 2016-01-01. Review status: criteria provided, single submitter. Criteria: ACMG Guidelines, 2015. Collection method: clinical testing. Allele origin: unknown. Affected: yes.
Comment: This variant was classified as: Uncertain significance. The following ACMG criteria were applied in classifying this variant: PM2,PP3.

NM_001367624.2(ZNF469):c.9532G>A (p.Gly3178Ser)

Gene: ZNF469 (zinc finger protein 469; plus strand). Cytogenetic location: 16q24.2.
Variant type: single nucleotide variant.
Coding change: c.9532G>A on transcript NM_001367624.2 (MANE Select); coding-DNA position 9532, G replaced by A.
Protein change: p.Gly3178Ser; replaces glycine 3178 with serine.
Molecular consequence: missense variant.
Genome position (GRCh38, 1-based): chr16:88,437,002, G>A. VCF-style: chr16-88437002-G-A. GRCh37 (hg19) VCF-style: chr16-88503410-G-A.
Other names: NM_001127464.1:c.9448G>A; short protein forms G3178S.
Identifiers: ClinVar variation 523412 (VCV000523412.5), dbSNP rs887755283, ClinGen allele CA286385548.